The following is an entry in ClinVar:

ClinVar aggregate classification (germline): Uncertain significance (1 of 4 stars; one submission).

Conditions:
TUB-related disorder. Also called: TUB-related condition.

Submission:

PreventionGenetics, part of Exact Sciences
Classification: Uncertain significance for TUB-related condition. Last evaluated: 2025-01-20. Review status: criteria provided, single submitter. Criteria: ACMG Guidelines, 2015. Collection method: clinical testing. Allele origin: germline.
Comment: The TUB c.1325T>C variant is predicted to result in the amino acid substitution p.Val442Ala. To our knowledge, this variant has not been reported in the literature or in a large population database (gnomAD), indicating this variant is rare. At this time, the clinical significance of this variant is uncertain due to the absence of conclusive functional and genetic evidence.

NM_177972.3(TUB):c.1160T>C (p.Val387Ala)

Genes: RIC3 (RIC3 acetylcholine receptor chaperone; minus strand), TUB (TUB bipartite transcription factor; plus strand). Cytogenetic location: 11p15.4.
Variant type: single nucleotide variant.
Coding change: c.1160T>C on transcript NM_177972.3 (MANE Select); coding-DNA position 1160, T replaced by C.
Protein change: p.Val387Ala; replaces valine 387 with alanine.
Molecular consequence: missense variant.
Genome position (GRCh38, 1-based): chr11:8,100,546, T>C. VCF-style: chr11-8100546-T-C. GRCh37 (hg19) VCF-style: chr11-8122093-T-C.
Other names: c.1178T>C, p.Val393Ala (NM_001440538.1, NM_001440539.1); c.1010T>C, p.Val337Ala (NM_001440540.1, NM_001440542.1); c.992T>C, p.Val331Ala (NM_001440541.1); c.1325T>C, p.Val442Ala (NM_003320.5); short protein forms V442A, V337A, V387A, V393A, V331A.
Identifiers: ClinVar variation 4986015 (VCV004986015.1).